The following is an entry in ClinVar:

ClinVar aggregate classification (germline): Uncertain significance. Review status: criteria provided, multiple submitters, no conflicts (2 of 4 stars). 2 submissions from 2 submitters: Uncertain significance (2). Last evaluated 2026-01-05.

Conditions:
Mucopolysaccharidosis, MPS-III-D (MPS3D). Also called: N-ACETYLGLUCOSAMINE-6-SULFATASE DEFICIENCY; SANFILIPPO SYNDROME D; MPS III D; Mucopoly-saccharidosis type 3D; N-acetylglucosamine-6-sulfate sulfatase deficiency; MPS 3D. Identifiers: Orphanet 581, Orphanet 79272, MedGen C0086650, MONDO:0009658, OMIM 252940.
Inborn genetic diseases. Identifiers: MedGen C0950123, MeSH D030342.

Allele frequency attached by ClinVar (database versions not stated): gnomAD 0.00005; TOPMed 0.00003; ExAC 0.00009; gnomAD exomes 0.00008.
gnomAD v4.1: 125 of 1,561,686 alleles (0.008%); highest among the groups gnomAD compares: Non-Finnish European, 0.01%; no homozygotes.

Submissions (2):

Labcorp Genetics (formerly Invitae), Labcorp
Classification: Uncertain significance for Mucopolysaccharidosis, MPS-III-D. Last evaluated: 2026-01-05. Review status: criteria provided, single submitter. Criteria: Invitae Variant Classification Sherloc (09022015). Collection method: clinical testing. Allele origin: germline.
Comment: This sequence change replaces valine, which is neutral and non-polar, with leucine, which is neutral and non-polar, at codon 49 of the GNS protein (p.Val49Leu). This variant is present in population databases (rs761375977, gnomAD 0.007%). This variant has not been reported in the literature in individuals affected with GNS-related conditions. ClinVar contains an entry for this variant (Variation ID: 2139389). Invitae Evidence Modeling of protein sequence and biophysical properties (such as structural, functional, and spatial information, amino acid conservation, physicochemical variation, residue mobility, and thermodynamic stability) indicates that this missense variant is not expected to disrupt GNS protein function with a negative predictive value of 80%. In summary, the available evidence is currently insufficient to determine the role of this variant in disease. Therefore, it has been classified as a Variant of Uncertain Significance.

Ambry Genetics
Classification: Uncertain significance for Inborn genetic diseases. Last evaluated: 2022-02-14. Review status: criteria provided, single submitter. Criteria: Ambry Variant Classification Scheme 2023. Collection method: clinical testing. Allele origin: germline.

NM_002076.4(GNS):c.145G>C (p.Val49Leu)

Gene: GNS (glucosamine (N-acetyl)-6-sulfatase; minus strand). Cytogenetic location: 12q14.3.
Variant type: single nucleotide variant.
Coding change: c.145G>C on transcript NM_002076.4 (MANE Select); coding-DNA position 145, G replaced by C.
Protein change: p.Val49Leu; replaces valine 49 with leucine.
Molecular consequence: missense variant.
Genome position (GRCh38, 1-based): chr12:64,759,132, C>G on the plus strand (G>C on the coding strand, the complement: GNS is on the minus strand). VCF-style: chr12-64759132-C-G. GRCh37 (hg19) VCF-style: chr12-65152912-C-G.
Other names: c.145G>C (NM_002076.3); short protein forms V49L.
Identifiers: ClinVar variation 2139389 (VCV002139389.3), dbSNP rs761375977, ClinGen allele CA6670042.